The following is an entry in ClinVar:

ClinVar aggregate classification (germline): Uncertain significance (1 of 4 stars; one submission).

Allele frequency attached by ClinVar (database versions not stated): TOPMed below 0.00001.

Submission:

Labcorp Genetics (formerly Invitae), Labcorp
Classification: Uncertain significance. Last evaluated: 2024-10-24. Review status: criteria provided, single submitter. Criteria: Invitae Variant Classification Sherloc (09022015). Collection method: clinical testing. Allele origin: germline.
Comment: This sequence change creates a premature translational stop signal (p.Gly3Argfs*54) in the EXTL3 gene. It is expected to result in an absent or disrupted protein product. However, the current clinical and genetic evidence is not sufficient to establish whether loss-of-function variants in EXTL3 cause disease. This variant is not present in population databases (gnomAD no frequency). This variant has not been reported in the literature in individuals affected with EXTL3-related conditions. ClinVar contains an entry for this variant (Variation ID: 1917970). In summary, the available evidence is currently insufficient to determine the role of this variant in disease. Therefore, it has been classified as a Variant of Uncertain Significance.

NM_001440.4(EXTL3):c.6dup (p.Gly3fs)

Gene: EXTL3 (exostosin like glycosyltransferase 3; plus strand). Cytogenetic location: 8p21.1.
Variant type: Duplication.
Coding change: c.6dup on transcript NM_001440.4 (MANE Select); coding-DNA position 6, one base duplicated (A; older notation c.6dupA).
Protein change: p.Gly3fs; shifts the reading frame from glycine 3.
Molecular consequence: frameshift variant. On other transcripts: non-coding transcript variant (1).
Genome position (GRCh38, 1-based): chr8:28,716,065, A duplicated. VCF-style (leftmost placement, unchanged base first): chr8-28716064-C-CA. GRCh37 (hg19) VCF-style: chr8-28573581-C-CA.
Other names: short protein forms G3fs.
Identifiers: ClinVar variation 1917970 (VCV001917970.5), dbSNP rs1801136196, ClinGen allele CA1773389718.